The following is an entry in ClinVar:

ClinVar aggregate classification (germline): Likely pathogenic (1 of 4 stars; one submission).

Conditions:
Osteogenesis imperfecta type I (OI1). Also called: Lobstein's Disease; OI, TYPE I; OSTEOGENESIS IMPERFECTA TARDA; OSTEOGENESIS IMPERFECTA WITH BLUE SCLERAE; Osteogenesis imperfecta type 1; Lobstein disease. Identifiers: Orphanet 216796, Orphanet 666, MedGen C0023931, MONDO:0008146, OMIM 166200. Disease mechanism: loss of function.

Submission:

Labcorp Genetics (formerly Invitae), Labcorp
Classification: Likely pathogenic for Osteogenesis imperfecta type I. Last evaluated: 2021-09-01. Review status: criteria provided, single submitter. Criteria: Invitae Variant Classification Sherloc (09022015). Collection method: clinical testing. Allele origin: germline.
Comment: In summary, the currently available evidence indicates that the variant is pathogenic, but additional data are needed to prove that conclusively. Therefore, this variant has been classified as Likely Pathogenic. This variant disrupts the c.103+5G nucleotide in the COL1A1 gene. Other variant(s) that disrupt this nucleotide have been determined to be pathogenic (Invitae). This suggests that this nucleotide is clinically significant, and that variants that disrupt this position are likely to be disease-causing. Nucleotide substitutions within the consensus splice site are a relatively common cause of aberrant splicing (PMID: 17576681, 9536098). Algorithms developed to predict the effect of sequence changes on RNA splicing suggest that this variant may disrupt the consensus splice site. ClinVar contains an entry for this variant (Variation ID: 836318). This variant has been observed in individual(s) with clinical features of osteogenesis imperfecta (Invitae). This variant is not present in population databases (ExAC no frequency). This sequence change falls in intron 1 of the COL1A1 gene. It does not directly change the encoded amino acid sequence of the COL1A1 protein. It affects a nucleotide within the consensus splice site of the intron.

Literature cited by the submitters: PubMed 17576681; PubMed 9536098.

NM_000088.4(COL1A1):c.103+5G>C

Gene: COL1A1 (collagen type I alpha 1 chain; minus strand). Cytogenetic location: 17q21.33.
Variant type: single nucleotide variant.
Coding change: c.103+5G>C on transcript NM_000088.4 (MANE Select); 5 bases into the intron after coding-DNA position 103, G replaced by C.
Molecular consequence: intron variant.
Genome position (GRCh38, 1-based): chr17:50,201,406, C>G on the plus strand (G>C on the coding strand, the complement: COL1A1 is on the minus strand). VCF-style: chr17-50201406-C-G. GRCh37 (hg19) VCF-style: chr17-48278767-C-G.
Identifiers: ClinVar variation 836318 (VCV000836318.8), dbSNP rs1555575835, ClinGen allele CA915940909.
Genomic context (GRCh38, chr17:50,201,406, plus strand): 5'-CCCCCGGGACCAAGCGCAAGGCGCGATATAGAGTATCCTTGCACTCCCAAAAGTTTGGGA[C>G]TTACTGTCTTCGTCTTGGCCCTCGACTTGGCCTTCCTCTTGGCCGTGCGTCAGGAGGGCG-3'